The following is an entry in ClinVar:

ClinVar aggregate classification (germline): Uncertain significance (1 of 4 stars; one submission).

Conditions:
Hereditary cancer-predisposing syndrome. Also called: Neoplastic Syndromes, Hereditary; Tumor predisposition; Hereditary neoplastic syndrome; Hereditary Cancer Syndrome. Identifiers: Orphanet 140162, MedGen C0027672, MeSH D009386, MONDO:0015356.

Submission:

Ambry Genetics
Classification: Uncertain significance for Hereditary cancer-predisposing syndrome. Last evaluated: 2026-07-18. Review status: criteria provided, single submitter. Criteria: Ambry Variant Classification Scheme 2023. Collection method: clinical testing. Allele origin: germline.
Comment: The p.D565E variant (also known as c.1695T>A), located in coding exon 6 of the BLM gene, results from a T to A substitution at nucleotide position 1695. The aspartic acid at codon 565 is replaced by glutamic acid, an amino acid with highly similar properties. This amino acid position is conserved. In addition, this alteration is predicted to be tolerated by in silico analysis. Based on the available evidence, the clinical significance of this variant remains unclear.

NM_000057.4(BLM):c.1695T>A (p.Asp565Glu)

Gene: BLM (BLM RecQ like helicase; plus strand). Cytogenetic location: 15q26.1.
Variant type: single nucleotide variant.
Coding change: c.1695T>A on transcript NM_000057.4 (MANE Select); coding-DNA position 1695, T replaced by A.
Protein change: p.Asp565Glu; replaces aspartic acid 565 with glutamic acid.
Molecular consequence: missense variant.
Genome position (GRCh38, 1-based): chr15:90,761,068, T>A. VCF-style: chr15-90761068-T-A. GRCh37 (hg19) VCF-style: chr15-91304298-T-A.
Other names: c.1695T>A, p.Asp565Glu (NM_001287246.2, NM_001287247.2); c.570T>A, p.Asp190Glu (NM_001287248.2); short protein forms D190E, D565E.
Identifiers: ClinVar variation 5032911 (VCV005032911.1).
Genomic context (GRCh38, chr15:90,761,068, plus strand): 5'-AGAAACCCAACCTTCCTATGATATTGATAATTTTGACATAGATGACTTTGATGATGATGA[T>A]GACTGGGAAGACATAATGCATAATTTAGCAGCCAGCAAATCTTCCACAGCTGCCTATCAA-3'
Protein context (NP_000048.1, residues 555-575): NFDIDDFDDD[Asp565Glu]DWEDIMHNLA